The following is an entry in ClinVar:

ClinVar aggregate classification (germline): Uncertain significance. Review status: criteria provided, multiple submitters, no conflicts (2 of 4 stars). 2 submissions from 2 submitters: Uncertain significance (2). Last evaluated 2024-11-14.

Conditions:
Gorlin syndrome. Also called: Basal cell nevus syndrome; Nevoid Basal Cell Carcinoma Syndrome. Identifiers: Orphanet 377, MedGen C0004779, MONDO:0007187.

Allele frequency attached by ClinVar (database versions not stated): ExAC 0.00001; gnomAD 0.00001; gnomAD exomes 0.00001.
gnomAD v4.1: 10 of 1,609,420 alleles (0.00062%); highest among the groups gnomAD compares: East Asian, 0.0045%; no homozygotes.

Submissions (2):

Ambry Genetics
Classification: Uncertain significance. Last evaluated: 2024-11-14. Review status: criteria provided, single submitter. Criteria: Ambry Variant Classification Scheme 2023. Collection method: clinical testing. Allele origin: germline.

Labcorp Genetics (formerly Invitae), Labcorp
Classification: Uncertain significance for Gorlin syndrome. Last evaluated: 2024-06-26. Review status: criteria provided, single submitter. Criteria: Invitae Variant Classification Sherloc (09022015). Collection method: clinical testing. Allele origin: germline.
Comment: This sequence change replaces arginine, which is basic and polar, with tryptophan, which is neutral and slightly polar, at codon 931 of the PTCH2 protein (p.Arg931Trp). The frequency data for this variant in the population databases is considered unreliable, as metrics indicate poor data quality at this position in the gnomAD database. This variant has not been reported in the literature in individuals affected with PTCH2-related conditions. Advanced modeling of protein sequence and biophysical properties (such as structural, functional, and spatial information, amino acid conservation, physicochemical variation, residue mobility, and thermodynamic stability) has been performed at Invitae for this missense variant, however the output from this modeling did not meet the statistical confidence thresholds required to predict the impact of this variant on PTCH2 protein function. In summary, the available evidence is currently insufficient to determine the role of this variant in disease. Therefore, it has been classified as a Variant of Uncertain Significance.

NM_003738.5(PTCH2):c.2791C>T (p.Arg931Trp)

Gene: PTCH2 (patched 2; minus strand). Cytogenetic location: 1p34.1.
Variant type: single nucleotide variant.
Coding change: c.2791C>T on transcript NM_003738.5 (MANE Select); coding-DNA position 2791, C replaced by T.
Protein change: p.Arg931Trp; replaces arginine 931 with tryptophan.
Molecular consequence: missense variant.
Genome position (GRCh38, 1-based): chr1:44,826,673, G>A on the plus strand (C>T on the coding strand, the complement: PTCH2 is on the minus strand). VCF-style: chr1-44826673-G-A. GRCh37 (hg19) VCF-style: chr1-45292345-G-A.
Other names: c.2791C>T (NM_003738.4); c.2791C>T, p.Arg931Trp (NM_001166292.2); short protein forms R931W.
Identifiers: ClinVar variation 2902104 (VCV002902104.4), dbSNP rs569459197, ClinGen allele CA822886.
Genomic context (GRCh38, chr1:44,826,673, plus strand): 5'-AGGGGGAGCCGCTGGGGTAGGCGTGCACCCCAGCCTGGCCGGCCTCTGCGCATGCTGCCC[G>A]GGCCCCCTCGATGGCCTCCACAAAGTCTGCAGTCTTCTGGAGGCCACGCAGCAGGAAGGG-3'
Protein context (NP_003729.3, residues 921-941): ADFVEAIEGA[Arg931Trp]AACAEAGQAG